The following is an entry in ClinVar:

NM_025180.5(CEP63):c.1381_1383del

Gene: CEP63 (centrosomal protein 63; plus strand). Cytogenetic location: 3q22.2.
Variant type: Deletion.
Coding change: c.1381_1383del on transcript NM_025180.5; coding-DNA positions 1381 to 1383, 3 bases deleted (GAG; older notation c.1381_1383delGAG).
Molecular consequence: splice acceptor variant.
Genome position (GRCh38, 1-based): chr3:134,551,926-134,551,928, GAG deleted; deleting any 3 consecutive bases within chr3:134,551,924-134,551,928 gives the same sequence; the c. name uses the placement nearest the transcript's 3' end. VCF-style (leftmost placement, unchanged base first): chr3-134551923-CAGG-C. GRCh37 (hg19) VCF-style: chr3-134270765-CAGG-C.
Identifiers: ClinVar variation 434754 (VCV000434754.14), dbSNP rs766435188, ClinGen allele CA2628661.

ClinVar aggregate classification (germline): Uncertain significance. Review status: criteria provided, multiple submitters, no conflicts (2 of 4 stars). 2 submissions from 2 submitters: Uncertain significance (2). Last evaluated 2025-01-27.

Submissions (2):

Labcorp Genetics (formerly Invitae), Labcorp
Classification: Uncertain significance. Last evaluated: 2025-01-27. Review status: criteria provided, single submitter. Criteria: Invitae Variant Classification Sherloc (09022015). Collection method: clinical testing. Allele origin: germline.
Comment: This variant, c.1381_1383del, results in the deletion of 1 amino acid(s) of the CEP63 protein (p.Glu461del), but otherwise preserves the integrity of the reading frame. This variant is present in population databases (rs766435188, gnomAD 0.1%). This variant has not been reported in the literature in individuals affected with CEP63-related conditions. ClinVar contains an entry for this variant (Variation ID: 434754). Experimental studies and prediction algorithms are not available or were not evaluated, and the functional significance of this variant is currently unknown. Algorithms developed to predict the effect of sequence changes on RNA splicing suggest that this variant may disrupt the consensus splice site. In summary, the available evidence is currently insufficient to determine the role of this variant in disease. Therefore, it has been classified as a Variant of Uncertain Significance.

Genetic Services Laboratory, University of Chicago
Classification: Uncertain significance. Last evaluated: 2015-09-23. Review status: criteria provided, single submitter. Criteria: ACMG Guidelines, 2015. Collection method: clinical testing. Allele origin: germline. Affected: no.